The following is an entry in ClinVar:

NM_014639.4(SKIC3):c.2500G>A (p.Val834Ile)

Gene: SKIC3 (SKI3 subunit of superkiller complex; minus strand). Cytogenetic location: 5q15.
Variant type: single nucleotide variant.
Coding change: c.2500G>A on transcript NM_014639.4 (MANE Select); coding-DNA position 2500, G replaced by A.
Protein change: p.Val834Ile; replaces valine 834 with isoleucine.
Molecular consequence: missense variant.
Genome position (GRCh38, 1-based): chr5:95,516,687, C>T on the plus strand (G>A on the coding strand, the complement: SKIC3 is on the minus strand). VCF-style: chr5-95516687-C-T. GRCh37 (hg19) VCF-style: chr5-94852391-C-T.
Other names: short protein forms V834I.
Identifiers: ClinVar variation 1520262 (VCV001520262.8), dbSNP rs773903812, ClinGen allele CA3347070.
Genomic context (GRCh38, chr5:95,516,687, plus strand): 5'-AATACACAATCTTCTAAAAATATTGAAGTGTTACTCAATTCTCACCACTGTAACATGCAA[C>T]CACACCAAGAGCATTCCAGTATAAGTGATTATTACTGTCGAGTCTCACTGCTTTTTTCAG-3'
Protein context (NP_055454.1, residues 824-844): NHLYWNALGV[Val834Ile]ACYSGIGNYA

ClinVar aggregate classification (germline): Uncertain significance (1 of 4 stars; one submission).

Allele frequency attached by ClinVar (database versions not stated): gnomAD exomes below 0.00001; ExAC 0.00001.
gnomAD v4.1: 3 of 1,613,330 alleles (0.00019%); highest among the groups gnomAD compares: South Asian, 0.0011%; no homozygotes.

Submission:

Labcorp Genetics (formerly Invitae), Labcorp
Classification: Uncertain significance. Last evaluated: 2021-03-26. Review status: criteria provided, single submitter. Criteria: Invitae Variant Classification Sherloc (09022015). Collection method: clinical testing. Allele origin: germline.
Comment: In summary, the available evidence is currently insufficient to determine the role of this variant in disease. Therefore, it has been classified as a Variant of Uncertain Significance. Algorithms developed to predict the effect of missense changes on protein structure and function (SIFT, PolyPhen-2, Align-GVGD) all suggest that this variant is likely to be tolerated, but these predictions have not been confirmed by published functional studies and their clinical significance is uncertain. This variant has not been reported in the literature in individuals with TTC37-related conditions. This variant is present in population databases (rs773903812, ExAC no frequency). This sequence change replaces valine with isoleucine at codon 834 of the TTC37 protein (p.Val834Ile). The valine residue is moderately conserved and there is a small physicochemical difference between valine and isoleucine.